The following is an entry in ClinVar:

ClinVar aggregate classification (germline): Uncertain significance (1 of 4 stars; one submission).

Conditions:
Cardiovascular phenotype. Identifiers: MedGen CN230736.

Submission:

Ambry Genetics
Classification: Uncertain significance for Cardiovascular phenotype. Last evaluated: 2026-03-23. Review status: criteria provided, single submitter. Criteria: Ambry Variant Classification Scheme 2023. Collection method: clinical testing. Allele origin: germline.
Comment: The p.Y385C variant (also known as c.1154A>G), located in coding exon 9 of the ABCA1 gene, results from an A to G substitution at nucleotide position 1154. The tyrosine at codon 385 is replaced by cysteine, an amino acid with highly dissimilar properties. This amino acid position is conserved. In addition, this alteration is predicted to be deleterious by in silico analysis. Based on the available evidence, the clinical significance of this variant remains unclear.

NM_005502.4(ABCA1):c.1154A>G (p.Tyr385Cys)

Gene: ABCA1 (ATP binding cassette subfamily A member 1; minus strand). Cytogenetic location: 9q31.1.
Variant type: single nucleotide variant.
Coding change: c.1154A>G on transcript NM_005502.4 (MANE Select); coding-DNA position 1154, A replaced by G.
Protein change: p.Tyr385Cys; replaces tyrosine 385 with cysteine.
Molecular consequence: missense variant.
Genome position (GRCh38, 1-based): chr9:104,837,468, T>C on the plus strand (A>G on the coding strand, the complement: ABCA1 is on the minus strand). VCF-style: chr9-104837468-T-C. GRCh37 (hg19) VCF-style: chr9-107599749-T-C.
Other names: short protein forms Y385C.
Identifiers: ClinVar variation 4867762 (VCV004867762.1).